The following is an entry in ClinVar:

ClinVar aggregate classification (germline): Uncertain significance (1 of 4 stars; one submission).

Submission:

Labcorp Genetics (formerly Invitae), Labcorp
Classification: Uncertain significance. Last evaluated: 2025-08-12. Review status: criteria provided, single submitter. Criteria: Invitae Variant Classification Sherloc (09022015). Collection method: clinical testing. Allele origin: germline.
Comment: This sequence change replaces glycine, which is neutral and non-polar, with arginine, which is basic and polar, at codon 1762 of the FLNB protein (p.Gly1762Arg). This variant also falls at the last nucleotide of exon 31, which is part of the consensus splice site for this exon. This variant is not present in population databases (gnomAD no frequency). This variant has not been reported in the literature in individuals affected with FLNB-related conditions. ClinVar contains an entry for this variant (Variation ID: 2766742). An algorithm developed to predict the effect of missense changes on protein structure and function (PolyPhen-2) suggests that this variant is likely to be disruptive. Variants that disrupt the consensus splice site are a relatively common cause of aberrant splicing (PMID: 17576681, 9536098). In summary, the available evidence is currently insufficient to determine the role of this variant in disease. Therefore, it has been classified as a Variant of Uncertain Significance.

Literature cited by the submitters: PubMed 17576681; PubMed 9536098.

NM_001457.4(FLNB):c.5284G>A (p.Gly1762Arg)

Gene: FLNB (filamin B; plus strand). Cytogenetic location: 3p14.3.
Variant type: single nucleotide variant.
Coding change: c.5284G>A on transcript NM_001457.4 (MANE Select); coding-DNA position 5284, G replaced by A.
Protein change: p.Gly1762Arg; replaces glycine 1762 with arginine.
Molecular consequence: missense variant.
Genome position (GRCh38, 1-based): chr3:58,142,752, G>A. VCF-style: chr3-58142752-G-A. GRCh37 (hg19) VCF-style: chr3-58128479-G-A.
Other names: c.5377G>A, p.Gly1793Arg (NM_001164317.2); c.5251G>A, p.Gly1751Arg (NM_001164318.2); c.5212G>A, p.Gly1738Arg (NM_001164319.2); short protein forms G1762R, G1793R, G1738R, G1751R.
Identifiers: ClinVar variation 2766742 (VCV002766742.3), dbSNP rs2471187455, ClinGen allele CA353353667.